The following is an entry in ClinVar:

NM_000944.5(PPP3CA):c.1265C>T (p.Thr422Met)

Gene: PPP3CA (protein phosphatase 3 catalytic subunit alpha; minus strand). Cytogenetic location: 4q24.
Variant type: single nucleotide variant.
Coding change: c.1265C>T on transcript NM_000944.5 (MANE Select); coding-DNA position 1265, C replaced by T.
Protein change: p.Thr422Met; replaces threonine 422 with methionine.
Molecular consequence: missense variant.
Genome position (GRCh38, 1-based): chr4:101,032,341, G>A on the plus strand (C>T on the coding strand, the complement: PPP3CA is on the minus strand). VCF-style: chr4-101032341-G-A. GRCh37 (hg19) VCF-style: chr4-101953498-G-A.
Other names: c.1265C>T, p.Thr422Met (NM_001130691.2); c.1139C>T, p.Thr380Met (NM_001130692.2); c.1265C>T (NM_000944.4); short protein forms T380M, T422M.
Identifiers: ClinVar variation 1483821 (VCV001483821.8), dbSNP rs745416220, ClinGen allele CA3024272.

ClinVar aggregate classification (germline): Uncertain significance. Review status: criteria provided, multiple submitters, no conflicts (2 of 4 stars). 3 submissions from 3 submitters: Uncertain significance (3). Last evaluated 2025-07-16.

Conditions:
Inborn genetic diseases. Identifiers: MedGen C0950123, MeSH D030342.
Developmental and epileptic encephalopathy 91. Also called: EPILEPTIC ENCEPHALOPATHY, INFANTILE OR EARLY CHILDHOOD, 1. Identifiers: MedGen C4540199, MONDO:0020630, OMIM 617711.
Arthrogryposis, cleft palate, craniosynostosis, and impaired intellectual development. Identifiers: Orphanet 565858, MedGen C4748872, MONDO:0032642, OMIM 618265.

Allele frequency attached by ClinVar (database versions not stated): ExAC 0.00002; TOPMed 0.00002; gnomAD 0.00001; gnomAD exomes 0.00001.
gnomAD v4.1: 9 of 1,613,014 alleles (0.00056%); highest among the groups gnomAD compares: Admixed American, 0.0033%; no homozygotes.

Submissions (3):

Labcorp Genetics (formerly Invitae), Labcorp
Classification: Uncertain significance. Last evaluated: 2025-07-16. Review status: criteria provided, single submitter. Criteria: Invitae Variant Classification Sherloc (09022015). Collection method: clinical testing. Allele origin: germline.
Comment: This sequence change replaces threonine, which is neutral and polar, with methionine, which is neutral and non-polar, at codon 422 of the PPP3CA protein (p.Thr422Met). The frequency data for this variant in the population databases is considered unreliable, as metrics indicate poor data quality at this position in the gnomAD database. This variant has not been reported in the literature in individuals affected with PPP3CA-related conditions. ClinVar contains an entry for this variant (Variation ID: 1483821). Invitae Evidence Modeling of protein sequence and biophysical properties (such as structural, functional, and spatial information, amino acid conservation, physicochemical variation, residue mobility, and thermodynamic stability) indicates that this missense variant is not expected to disrupt PPP3CA protein function with a negative predictive value of 80%. In summary, the available evidence is currently insufficient to determine the role of this variant in disease. Therefore, it has been classified as a Variant of Uncertain Significance.

Fulgent Genetics
Classification: Uncertain significance for Developmental and epileptic encephalopathy 91; Arthrogryposis, cleft palate, craniosynostosis, and impaired intellectual development. Last evaluated: 2022-04-24. Review status: criteria provided, single submitter. Criteria: ACMG Guidelines, 2015. Collection method: clinical testing. Allele origin: unknown.

Ambry Genetics
Classification: Uncertain significance for Inborn genetic diseases. Last evaluated: 2022-03-07. Review status: criteria provided, single submitter. Criteria: Ambry Variant Classification Scheme 2023. Collection method: clinical testing. Allele origin: germline.